The following is an entry in ClinVar:

ClinVar aggregate classification (germline): Likely benign. Review status: criteria provided, single submitter (1 of 4 stars). 2 submissions from 2 submitters: Likely benign (1). 1 of the submissions does not count toward it. Last evaluated 2023-05-01.

Conditions:
GRIK2-related disorder. Also called: GRIK2-related condition.

Allele frequency attached by ClinVar (database versions not stated): gnomAD exomes 0.00003; 1000 Genomes Project 30x 0.00016; 1000 Genomes Project 0.00020.
gnomAD v4.1: 49 of 1,613,468 alleles (0.003%); highest among the groups gnomAD compares: Middle Eastern, 0.017%; no homozygotes.

Submissions (2):

CeGaT Center for Human Genetics Tuebingen
Classification: Likely benign. Last evaluated: 2023-05-01. Review status: criteria provided, single submitter. Criteria: CeGaT Center For Human Genetics Tuebingen Variant Classification Criteria Version 2. Collection method: clinical testing. Allele origin: germline. Affected: yes. Observed: 1 variant allele.
Comment: GRIK2: BP4, BP7

PreventionGenetics, part of Exact Sciences
Classification: Likely benign for GRIK2-related condition. Last evaluated: 2019-04-10. Review status: no assertion criteria provided. Collection method: clinical testing. Allele origin: germline. Not counted in ClinVar's aggregate classification.
Comment: This variant is classified as likely benign based on ACMG/AMP sequence variant interpretation guidelines (Richards et al. 2015 PMID: 25741868, with internal and published modifications).

NM_021956.5(GRIK2):c.348C>T (p.Asn116=)

Gene: GRIK2 (glutamate ionotropic receptor kainate type subunit 2; plus strand). Cytogenetic location: 6q16.3.
Variant type: single nucleotide variant.
Coding change: c.348C>T on transcript NM_021956.5 (MANE Select); coding-DNA position 348, C replaced by T.
Protein change: p.Asn116=; no amino-acid change (asparagine 116 retained).
Molecular consequence: synonymous variant.
Genome position (GRCh38, 1-based): chr6:101,626,444, C>T. VCF-style: chr6-101626444-C-T. GRCh37 (hg19) VCF-style: chr6-102074319-C-T.
Other names: c.348C>T, p.Asn116= (NM_001166247.1, NM_175768.3); c.348C>T (NM_021956.4).
Identifiers: ClinVar variation 2656787 (VCV002656787.25), dbSNP rs201788540, ClinGen allele CA3939295.